The following is an entry in ClinVar:

ClinVar aggregate classification (germline): Uncertain significance. Review status: criteria provided, multiple submitters, no conflicts (2 of 4 stars). 3 submissions from 3 submitters: Uncertain significance (3). Last evaluated 2022-09-13.

Conditions:
Inborn genetic diseases. Identifiers: MedGen C0950123, MeSH D030342.
Orthostatic hypotension 1 (ORTHYP1). Also called: NORADRENALINE DEFICIENCY; NOREPINEPHRINE DEFICIENCY; Orthostatic hypotension 1, due to DBH deficiency; Dopamine beta-hydroxylase deficiency. Identifiers: Orphanet 230, MedGen C4746777, MONDO:0009123, OMIM 223360.

Allele frequency attached by ClinVar (database versions not stated): ESP Exome Variant Server 0.00008; ExAC 0.00014; gnomAD 0.00021 and 0.00022; TOPMed 0.00025; 1000 Genomes Project 0.00040; 1000 Genomes Project 30x 0.00078.
gnomAD v4.1: 498 of 1,612,644 alleles (0.031%); highest among the groups gnomAD compares: Admixed American, 0.045%; no homozygotes.

Submissions (3):

Labcorp Genetics (formerly Invitae), Labcorp
Classification: Uncertain significance for Orthostatic hypotension 1. Last evaluated: 2022-09-13. Review status: criteria provided, single submitter. Criteria: Invitae Variant Classification Sherloc (09022015). Collection method: clinical testing. Allele origin: germline.
Comment: This sequence change replaces lysine, which is basic and polar, with asparagine, which is neutral and polar, at codon 239 of the DBH protein (p.Lys239Asn). This variant is present in population databases (rs5321, gnomAD 0.04%). This variant has not been reported in the literature in individuals affected with DBH-related conditions. ClinVar contains an entry for this variant (Variation ID: 914523). Advanced modeling of protein sequence and biophysical properties (such as structural, functional, and spatial information, amino acid conservation, physicochemical variation, residue mobility, and thermodynamic stability) performed at Invitae indicates that this missense variant is not expected to disrupt DBH protein function. In summary, the available evidence is currently insufficient to determine the role of this variant in disease. Therefore, it has been classified as a Variant of Uncertain Significance.

Ambry Genetics
Classification: Uncertain significance for Inborn genetic diseases. Last evaluated: 2022-01-06. Review status: criteria provided, single submitter. Criteria: Ambry Variant Classification Scheme 2023. Collection method: clinical testing. Allele origin: germline.
Comment: The c.717G>C (p.K239N) alteration is located in exon 3 (coding exon 3) of the DBH gene. This alteration results from a G to C substitution at nucleotide position 717, causing the lysine (K) at amino acid position 239 to be replaced by an asparagine (N). This alteration is predicted to be tolerated by in silico analysis. Based on insufficient or conflicting evidence, the clinical significance of this alteration remains unclear.

Illumina Laboratory Services, Illumina
Classification: Uncertain significance for Orthostatic hypotension 1. Last evaluated: 2018-01-12. Review status: criteria provided, single submitter. Criteria: ICSL Variant Classification Criteria 13 December 2019. Collection method: clinical testing. Allele origin: germline.

NM_000787.4(DBH):c.717G>C (p.Lys239Asn)

Gene: DBH (dopamine beta-hydroxylase; plus strand). Cytogenetic location: 9q34.2.
Variant type: single nucleotide variant.
Coding change: c.717G>C on transcript NM_000787.4 (MANE Select); coding-DNA position 717, G replaced by C.
Protein change: p.Lys239Asn; replaces lysine 239 with asparagine.
Molecular consequence: missense variant.
Genome position (GRCh38, 1-based): chr9:133,642,437, G>C. VCF-style: chr9-133642437-G-C. GRCh37 (hg19) VCF-style: chr9-136507559-G-C.
Other names: short protein forms K239N.
Identifiers: ClinVar variation 914523 (VCV000914523.6), dbSNP rs5321, ClinGen allele CA5313159.